The following is an entry in ClinVar:

ClinVar aggregate classification (germline): Uncertain significance. Review status: criteria provided, multiple submitters, no conflicts (2 of 4 stars). 2 submissions from 2 submitters: Uncertain significance (2). Last evaluated 2025-12-29.

Conditions:
Gorlin syndrome. Also called: Nevoid Basal Cell Carcinoma Syndrome; Basal cell nevus syndrome. Identifiers: Orphanet 377, MedGen C0004779, MONDO:0007187.

Submissions (2):

Center for Genomic Medicine, Rigshospitalet, Copenhagen University Hospital
Classification: Uncertain significance. Last evaluated: 2025-12-29. Review status: criteria provided, single submitter. Criteria: ACMG Guidelines, 2015. Collection method: clinical testing. Allele origin: germline.

Labcorp Genetics (formerly Invitae), Labcorp
Classification: Uncertain significance for Gorlin syndrome. Last evaluated: 2022-09-07. Review status: criteria provided, single submitter. Criteria: Invitae Variant Classification Sherloc (09022015). Collection method: clinical testing. Allele origin: germline.
Comment: In summary, the available evidence is currently insufficient to determine the role of this variant in disease. Therefore, it has been classified as a Variant of Uncertain Significance. Algorithms developed to predict the effect of missense changes on protein structure and function are either unavailable or do not agree on the potential impact of this missense change (SIFT: "Deleterious"; PolyPhen-2: "Probably Damaging"; Align-GVGD: "Class C0"). This variant has not been reported in the literature in individuals affected with PTCH1-related conditions. This variant is not present in population databases (gnomAD no frequency). This sequence change replaces histidine, which is basic and polar, with arginine, which is basic and polar, at codon 1413 of the PTCH1 protein (p.His1413Arg).

NM_000264.5(PTCH1):c.4238A>G (p.His1413Arg)

Gene: PTCH1 (patched 1; minus strand). Cytogenetic location: 9q22.32.
Variant type: single nucleotide variant.
Coding change: c.4238A>G on transcript NM_000264.5 (MANE Select); coding-DNA position 4238, A replaced by G.
Protein change: p.His1413Arg; replaces histidine 1413 with arginine.
Molecular consequence: missense variant. On other transcripts: non-coding transcript variant (1).
Genome position (GRCh38, 1-based): chr9:95,447,018, T>C on the plus strand (A>G on the coding strand, the complement: PTCH1 is on the minus strand). VCF-style: chr9-95447018-T-C. GRCh37 (hg19) VCF-style: chr9-98209300-T-C.
Other names: c.4235A>G, p.His1412Arg (NM_001083603.3); c.3785A>G, p.His1262Arg (NM_001083604.3, NM_001083605.3, NM_001083606.3 and 1 more transcripts); c.4040A>G, p.His1347Arg (NM_001083602.3); c.4082A>G, p.His1361Arg (NM_001354918.2); short protein forms H1262R, H1347R, H1361R, H1412R, H1413R.
Identifiers: ClinVar variation 1719030 (VCV001719030.7), dbSNP rs2537995529, ClinGen allele CA374110053.